The following is an entry in ClinVar:

ClinVar aggregate classification (germline): Uncertain significance. Review status: criteria provided, multiple submitters, no conflicts (2 of 4 stars). 2 submissions from 2 submitters: Uncertain significance (2). Last evaluated 2024-03-11.

Allele frequency attached by ClinVar (database versions not stated): gnomAD 0.00001.
gnomAD v4.1: 1 of 1,611,992 alleles (0.000062%); highest among the groups gnomAD compares: Non-Finnish European, 0.000085%; no homozygotes.

Submissions (2):

GeneDx
Classification: Uncertain significance. Last evaluated: 2024-03-11. Review status: criteria provided, single submitter. Criteria: GeneDx Variant Classification Process June 2021. Collection method: clinical testing. Allele origin: germline. Affected: yes.
Comment: Not observed at significant frequency in large population cohorts (gnomAD); In silico analysis supports that this missense variant has a deleterious effect on protein structure/function; Has not been previously published as pathogenic or benign to our knowledge

Labcorp Genetics (formerly Invitae), Labcorp
Classification: Uncertain significance. Last evaluated: 2022-04-16. Review status: criteria provided, single submitter. Criteria: Invitae Variant Classification Sherloc (09022015). Collection method: clinical testing. Allele origin: germline.
Comment: This variant is not present in population databases (gnomAD no frequency). In summary, the available evidence is currently insufficient to determine the role of this variant in disease. Therefore, it has been classified as a Variant of Uncertain Significance. Advanced modeling of protein sequence and biophysical properties (such as structural, functional, and spatial information, amino acid conservation, physicochemical variation, residue mobility, and thermodynamic stability) performed at Invitae indicates that this missense variant is expected to disrupt COL4A1 protein function. This variant has not been reported in the literature in individuals affected with COL4A1-related conditions. This sequence change replaces glycine, which is neutral and non-polar, with cysteine, which is neutral and slightly polar, at codon 1491 of the COL4A1 protein (p.Gly1491Cys).

NM_001845.6(COL4A1):c.4471G>T (p.Gly1491Cys)

Gene: COL4A1 (collagen type IV alpha 1 chain; minus strand). Cytogenetic location: 13q34.
Variant type: single nucleotide variant.
Coding change: c.4471G>T on transcript NM_001845.6 (MANE Select); coding-DNA position 4471, G replaced by T.
Protein change: p.Gly1491Cys; replaces glycine 1491 with cysteine.
Molecular consequence: missense variant.
Genome position (GRCh38, 1-based): chr13:110,161,361, C>A on the plus strand (G>T on the coding strand, the complement: COL4A1 is on the minus strand). VCF-style: chr13-110161361-C-A. GRCh37 (hg19) VCF-style: chr13-110813708-C-A.
Other names: c.4471G>T (NM_001845.4); short protein forms G1491C.
Identifiers: ClinVar variation 2126710 (VCV002126710.5), dbSNP rs190510837, ClinGen allele CA388657658.